The following is an entry in ClinVar:

ClinVar aggregate classification (germline): Conflicting classifications of pathogenicity. Review status: criteria provided, conflicting classifications (1 of 4 stars). 3 submissions from 3 submitters: Uncertain significance (2); Likely benign (1). Last evaluated 2025-09-01.

Allele frequency attached by ClinVar (database versions not stated): gnomAD exomes 0.00004 and 0.00007; gnomAD 0.00002 and 0.00001; TOPMed 0.00002; ExAC 0.00008.
gnomAD v4.1: 66 of 1,614,190 alleles (0.0041%); highest among the groups gnomAD compares: Middle Eastern, 0.3%; 2 homozygotes.

Submissions (3):

CeGaT Center for Human Genetics Tuebingen
Classification: Likely benign. Last evaluated: 2025-09-01. Review status: criteria provided, single submitter. Criteria: CeGaT Center For Human Genetics Tuebingen Variant Classification Criteria Version 2. Collection method: clinical testing. Allele origin: germline. Affected: yes. Observed: 1 variant allele.
Comment: ZBTB25: BP4

Labcorp Genetics (formerly Invitae), Labcorp
Classification: Uncertain significance. Last evaluated: 2024-12-24. Review status: criteria provided, single submitter. Criteria: Invitae Variant Classification Sherloc (09022015). Collection method: clinical testing. Allele origin: germline.
Comment: This sequence change replaces valine, which is neutral and non-polar, with isoleucine, which is neutral and non-polar, at codon 802 of the MTHFD1 protein (p.Val802Ile). This variant is present in population databases (rs771687911, gnomAD 0.03%). This missense change has been observed in individual(s) with a positive newborn screening result for MTHFD1-related disease (PMID: 29713328). ClinVar contains an entry for this variant (Variation ID: 1405314). Invitae Evidence Modeling of protein sequence and biophysical properties (such as structural, functional, and spatial information, amino acid conservation, physicochemical variation, residue mobility, and thermodynamic stability) indicates that this missense variant is not expected to disrupt MTHFD1 protein function with a negative predictive value of 80%. In summary, the available evidence is currently insufficient to determine the role of this variant in disease. Therefore, it has been classified as a Variant of Uncertain Significance.

Blueprint Genetics
Classification: Uncertain significance. Last evaluated: 2024-11-15. Review status: criteria provided, single submitter. Criteria: ACMG Guidelines, 2015. Collection method: clinical testing. Allele origin: germline.

Literature cited by the submitters: PubMed 29713328 (cited by Labcorp Genetics (formerly Invitae), Labcorp).

NM_005956.4(MTHFD1):c.2404G>A (p.Val802Ile)

Genes: MTHFD1 (methylenetetrahydrofolate dehydrogenase, cyclohydrolase and formyltetrahydrofolate synthetase 1; plus strand), ZBTB25 (zinc finger and BTB domain containing 25; minus strand). Cytogenetic location: 14q23.3.
Variant type: single nucleotide variant.
Coding change: c.2404G>A on transcript NM_005956.4 (MANE Select); coding-DNA position 2404, G replaced by A.
Protein change: p.Val802Ile; replaces valine 802 with isoleucine.
Molecular consequence: missense variant. On other transcripts: synonymous variant (1).
Genome position (GRCh38, 1-based): chr14:64,449,569, G>A. VCF-style: chr14-64449569-G-A. GRCh37 (hg19) VCF-style: chr14-64916287-G-A.
Other names: c.2404G>A, p.Val802Ile (NM_001364837.1); c.243C>T, p.Asp81= (NM_001304508.1); short protein forms V802I.
Identifiers: ClinVar variation 1405314 (VCV001405314.13), dbSNP rs771687911, ClinGen allele CA7226584.
Genomic context (GRCh38, chr14:64,449,569, plus strand): 5'-GCCGTGAAGTGCACTCACTGGGCAGAAGGGGGCAAGGGTGCCTTAGCCCTGGCTCAGGCC[G>A]TCCAGAGAGCAGCACAAGCACCCAGCAGCTTCCAGCTCCTTTATGACCTCAAGGTGGGTG-3'
Protein context (NP_005947.3, residues 792-812): GKGALALAQA[Val802Ile]QRAAQAPSSF